The following is an entry in ClinVar:

ClinVar aggregate classification (germline): Uncertain significance (1 of 4 stars; one submission).

Conditions:
NCOA1-related disorder. Also called: NCOA1-related condition.

Submission:

PreventionGenetics, part of Exact Sciences
Classification: Uncertain significance for NCOA1-related condition. Last evaluated: 2026-01-22. Review status: criteria provided, single submitter. Criteria: ACMG Guidelines, 2015. Collection method: clinical testing. Allele origin: germline.
Comment: The NCOA1 c.4013T>C variant is predicted to result in the amino acid substitution p.Met1338Thr. To our knowledge, this variant has not been reported in the literature or in a large population database (gnomAD), indicating this variant is rare. At this time, the clinical significance of this variant is uncertain due to the absence of conclusive functional and genetic evidence.

NM_003743.5(NCOA1):c.4013T>C (p.Met1338Thr)

Gene: NCOA1 (nuclear receptor coactivator 1; plus strand). Cytogenetic location: 2p23.3.
Variant type: single nucleotide variant.
Coding change: c.4013T>C on transcript NM_003743.5 (MANE Select); coding-DNA position 4013, T replaced by C.
Protein change: p.Met1338Thr; replaces methionine 1338 with threonine.
Molecular consequence: missense variant.
Genome position (GRCh38, 1-based): chr2:24,758,104, T>C. VCF-style: chr2-24758104-T-C. GRCh37 (hg19) VCF-style: chr2-24980973-T-C.
Other names: c.4013T>C, p.Met1338Thr (NM_001362950.1, NM_001362952.1, NM_001362954.1 and 3 more transcripts); short protein forms M1338T.
Identifiers: ClinVar variation 4997782 (VCV004997782.1).